The following is an entry in ClinVar:

NM_019066.5(MAGEL2):c.2417G>A (p.Gly806Asp)

Gene: MAGEL2 (MAGE family member L2; minus strand). Cytogenetic location: 15q11.2.
Variant type: single nucleotide variant.
Coding change: c.2417G>A on transcript NM_019066.5 (MANE Select); coding-DNA position 2417, G replaced by A.
Protein change: p.Gly806Asp; replaces glycine 806 with aspartic acid.
Molecular consequence: missense variant.
Genome position (GRCh38, 1-based): chr15:23,645,326, C>T on the plus strand (G>A on the coding strand, the complement: MAGEL2 is on the minus strand). VCF-style: chr15-23645326-C-T. GRCh37 (hg19) VCF-style: chr15-23890473-C-T.
Other names: c.2417G>A (NM_019066.4); short protein forms G806D.
Identifiers: ClinVar variation 1206053 (VCV001206053.7), dbSNP rs751239911, ClinGen allele CA7429900.

ClinVar aggregate classification (germline): Conflicting classifications of pathogenicity. Review status: criteria provided, conflicting classifications (1 of 4 stars). 5 submissions from 5 submitters: Uncertain significance (1); Likely benign (1). 3 of the submissions do not count toward it. Last evaluated 2025-11-26.

Conditions:
MAGEL2-related disorder. Also called: MAGEL2-related condition.
Inborn genetic diseases. Identifiers: MedGen C0950123, MeSH D030342.

Allele frequency attached by ClinVar (database versions not stated): TOPMed below 0.00001; gnomAD 0.00001; ExAC 0.00002; gnomAD exomes 0.00003.

Submissions (5):

Ambry Genetics
Classification: Likely benign for Inborn genetic diseases. Last evaluated: 2025-11-26. Review status: criteria provided, single submitter. Criteria: Ambry Variant Classification Scheme 2023. Collection method: clinical testing. Allele origin: germline.

Labcorp Genetics (formerly Invitae), Labcorp
Classification: Uncertain significance. Last evaluated: 2024-10-27. Review status: criteria provided, single submitter. Criteria: Invitae Variant Classification Sherloc (09022015). Collection method: clinical testing. Allele origin: germline.
Comment: This sequence change replaces glycine, which is neutral and non-polar, with aspartic acid, which is acidic and polar, at codon 806 of the MAGEL2 protein (p.Gly806Asp). This variant is present in population databases (rs751239911, gnomAD 0.02%). This variant has not been reported in the literature in individuals affected with MAGEL2-related conditions. ClinVar contains an entry for this variant (Variation ID: 1206053). Invitae Evidence Modeling of protein sequence and biophysical properties (such as structural, functional, and spatial information, amino acid conservation, physicochemical variation, residue mobility, and thermodynamic stability) indicates that this missense variant is not expected to disrupt MAGEL2 protein function with a negative predictive value of 80%. In summary, the available evidence is currently insufficient to determine the role of this variant in disease. Therefore, it has been classified as a Variant of Uncertain Significance.

PreventionGenetics, part of Exact Sciences
Classification: Uncertain significance for MAGEL2-related condition. Last evaluated: 2024-02-28. Review status: no assertion criteria provided. Collection method: clinical testing. Allele origin: germline. Not counted in ClinVar's aggregate classification.
Comment: The MAGEL2 c.2417G>A variant is predicted to result in the amino acid substitution p.Gly806Asp. To our knowledge, this variant has not been reported in the literature. This variant is reported in 0.017% of alleles in individuals of East Asian descent in gnomAD. Although we suspect that this variant may be benign, at this time, the clinical significance of this variant is uncertain due to the absence of conclusive functional and genetic evidence.

Clinical Genetics DNA and cytogenetics Diagnostics Lab, Erasmus MC, Erasmus Medical Center
Classification: Uncertain significance. Review status: no assertion criteria provided. Collection method: clinical testing. Allele origin: germline. Affected: yes. Study: VKGL Data-share Consensus. Not counted in ClinVar's aggregate classification.

Laboratory of Diagnostic Genome Analysis, Leiden University Medical Center (LUMC)
Classification: Uncertain significance. Review status: no assertion criteria provided. Collection method: clinical testing. Allele origin: germline. Affected: yes. Study: VKGL Data-share Consensus. Not counted in ClinVar's aggregate classification.